The following is an entry in ClinVar:

ClinVar aggregate classification (germline): Likely benign (1 of 4 stars; one submission).

Submission:

CeGaT Center for Human Genetics Tuebingen
Classification: Likely benign. Last evaluated: 2026-06-01. Review status: criteria provided, single submitter. Criteria: CeGaT Center For Human Genetics Tuebingen Variant Classification Criteria Version 2. Collection method: clinical testing. Allele origin: germline. Affected: yes. Observed: 1 variant allele.
Comment: ARMCX4: BP4, BP7

NM_001256155.3(ARMCX4):c.5421A>T (p.Val1807=)

Gene: ARMCX4 (armadillo repeat containing X-linked 4; plus strand). Cytogenetic location: Xq22.1.
Variant type: single nucleotide variant.
Coding change: c.5421A>T on transcript NM_001256155.3 (MANE Select); coding-DNA position 5421, A replaced by T.
Protein change: p.Val1807=; no amino-acid change (valine 1807 retained).
Molecular consequence: synonymous variant.
Genome position (GRCh38, 1-based): chrX:101,494,010, A>T. VCF-style: chrX-101494010-A-T. GRCh37 (hg19) VCF-style: chrX-100748997-A-T.
Identifiers: ClinVar variation 4872686 (VCV004872686.2).